The following is an entry in ClinVar:

NM_000071.3(CBS):c.*299G>A

Gene: CBS (cystathionine beta-synthase; minus strand). Cytogenetic location: 21q22.3.
Variant type: single nucleotide variant.
Coding change: c.*299G>A on transcript NM_000071.3 (MANE Select); 299 bases downstream of the stop codon, G replaced by A.
Molecular consequence: 3 prime UTR variant.
Genome position (GRCh38, 1-based): chr21:43,053,581, C>T on the plus strand (G>A on the coding strand, the complement: CBS is on the minus strand). VCF-style: chr21-43053581-C-T. GRCh37 (hg19) VCF-style: chr21-44473691-C-T.
Other names: c.*299G>A (NM_001178008.3, NM_001320298.2, NM_001321072.1); c.*85G>A (NM_001178009.3).
Identifiers: ClinVar variation 340076 (VCV000340076.8), dbSNP rs12613, ClinGen allele CA10653003.

ClinVar aggregate classification (germline): Benign. Review status: criteria provided, multiple submitters, no conflicts (2 of 4 stars). 3 submissions from 3 submitters: Benign (3). Last evaluated 2018-06-14.

Conditions:
Classic homocystinuria. Also called: Homocystinuria due to Cystathionine Beta-Synthase Deficiency; HOMOCYSTINURIA WITH OR WITHOUT RESPONSE TO PYRIDOXINE; Homocystinuria due to CBS deficiency; Cystathionine beta-synthase deficiency; CBS deficiency. Identifiers: Orphanet 394, MedGen C0751202, MONDO:0009352, OMIM 236200.

Allele frequency attached by ClinVar (database versions not stated): 1000 Genomes Project 0.08646; gnomAD 0.09051.

Submissions (3):

GeneDx
Classification: Benign. Last evaluated: 2018-06-14. Review status: criteria provided, single submitter. Criteria: GeneDx Variant Classification Process June 2021. Collection method: clinical testing. Allele origin: germline. Affected: yes.

Illumina Laboratory Services, Illumina
Classification: Benign for Classic homocystinuria. Last evaluated: 2018-01-12. Review status: criteria provided, single submitter. Criteria: ICSL Variant Classification Criteria 13 December 2019. Collection method: clinical testing. Allele origin: germline.
Comment: This variant was observed in the ICSL laboratory as part of a predisposition screen in an ostensibly healthy population. It had not been previously curated by ICSL or reported in the Human Gene Mutation Database (HGMD: prior to June 1st, 2018), and was therefore a candidate for classification through an automated scoring system. Utilizing variant allele frequency, disease prevalence and penetrance estimates, and inheritance mode, an automated score was calculated to assess if this variant is too frequent to cause the disease. Based on the score and internal cut-off values, a variant classified as benign is not then subjected to further curation. The score for this variant resulted in a classification of benign for this disease.

Breakthrough Genomics
Classification: Benign. Review status: criteria provided, single submitter. Criteria: ACMG Guidelines, 2015. Collection method: not provided. Allele origin: germline. Inheritance: Autosomal recessive inheritance. Affected: yes.